The following is an entry in ClinVar:

ClinVar aggregate classification (germline): Uncertain significance (1 of 4 stars; one submission).

Conditions:
Progressive sclerosing poliodystrophy (MTDPS4A). Also called: Mitochondrial DNA depletion syndrome 4A (Alpers type); ALPERS PROGRESSIVE INFANTILE POLIODYSTROPHY; NEURONAL DEGENERATION OF CHILDHOOD WITH LIVER DISEASE, PROGRESSIVE; Mitochondrial DNA Depletion Syndrome 4A; Alpers-Huttenlocher Syndrome (AHS); Alpers Syndrome. Identifiers: Orphanet 726, MedGen C0205710, MONDO:0008758, OMIM 203700.

gnomAD v4.1: 1 of 1,613,910 alleles (0.000062%); highest among the groups gnomAD compares: South Asian, 0.0011%; no homozygotes.

Submission:

Labcorp Genetics (formerly Invitae), Labcorp
Classification: Uncertain significance for Progressive sclerosing poliodystrophy. Last evaluated: 2025-09-08. Review status: criteria provided, single submitter. Criteria: Invitae Variant Classification Sherloc (09022015). Collection method: clinical testing. Allele origin: germline.
Comment: This sequence change replaces isoleucine, which is neutral and non-polar, with threonine, which is neutral and polar, at codon 954 of the POLG protein (p.Ile954Thr). This variant is not present in population databases (gnomAD no frequency). This variant has not been reported in the literature in individuals affected with POLG-related conditions. ClinVar contains an entry for this variant (Variation ID: 1408499). Invitae Evidence Modeling of protein sequence and biophysical properties (such as structural, functional, and spatial information, amino acid conservation, physicochemical variation, residue mobility, and thermodynamic stability) indicates that this missense variant is expected to disrupt POLG protein function with a positive predictive value of 95%. In summary, the available evidence is currently insufficient to determine the role of this variant in disease. Therefore, it has been classified as a Variant of Uncertain Significance.

NM_002693.3(POLG):c.2861T>C (p.Ile954Thr)

Gene: POLG (DNA polymerase gamma, catalytic subunit; minus strand). Cytogenetic location: 15q26.1.
Variant type: single nucleotide variant.
Coding change: c.2861T>C on transcript NM_002693.3 (MANE Select); coding-DNA position 2861, T replaced by C.
Protein change: p.Ile954Thr; replaces isoleucine 954 with threonine.
Molecular consequence: missense variant.
Genome position (GRCh38, 1-based): chr15:89,320,886, A>G on the plus strand (T>C on the coding strand, the complement: POLG is on the minus strand). VCF-style: chr15-89320886-A-G. GRCh37 (hg19) VCF-style: chr15-89864117-A-G.
Other names: c.2861T>C, p.Ile954Thr (NM_001126131.2); short protein forms I954T.
Identifiers: ClinVar variation 1408499 (VCV001408499.6), dbSNP rs2152060969, ClinGen allele CA393752731.